The following is an entry in ClinVar:

NM_001145026.2(PTPRQ):c.3616T>G (p.Leu1206Val)

Gene: PTPRQ (protein tyrosine phosphatase receptor type Q; plus strand). Cytogenetic location: 12q21.31.
Variant type: single nucleotide variant.
Coding change: c.3616T>G on transcript NM_001145026.2 (MANE Select); coding-DNA position 3616, T replaced by G.
Protein change: p.Leu1206Val; replaces leucine 1206 with valine.
Molecular consequence: missense variant.
Genome position (GRCh38, 1-based): chr12:80,542,259, T>G. VCF-style: chr12-80542259-T-G. GRCh37 (hg19) VCF-style: chr12-80936038-T-G.
Other names: c.3616T>G (NM_001145026.1); short protein forms L1206V.
Identifiers: ClinVar variation 1297735 (VCV001297735.6), dbSNP rs755745017, ClinGen allele CA6702649.

ClinVar aggregate classification (germline): Uncertain significance. Review status: criteria provided, multiple submitters, no conflicts (2 of 4 stars). 4 submissions from 4 submitters: Uncertain significance (2). 2 of the submissions do not count toward it. Last evaluated 2026-07-30.

Conditions:
PTPRQ-related disorder. Also called: PTPRQ-related condition.

Allele frequency attached by ClinVar (database versions not stated): ExAC 0.00015; gnomAD exomes 0.00021.
gnomAD v4.1: 127 of 1,550,640 alleles (0.0082%); highest among the groups gnomAD compares: Admixed American, 0.082%; no homozygotes.

Submissions (4):

PreventionGenetics, part of Exact Sciences
Classification: Uncertain significance for PTPRQ-related condition. Last evaluated: 2026-07-30. Review status: criteria provided, single submitter. Criteria: ACMG Guidelines, 2015. Collection method: clinical testing. Allele origin: germline.
Comment: The PTPRQ c.3616T>G variant is predicted to result in the amino acid substitution p.Leu1206Val. To our knowledge, this variant has not been reported in the literature. This variant is reported in 0.077% of alleles in individuals of Latino descent in gnomAD. Although we suspect that this variant may be benign, at this time, the clinical significance of this variant is uncertain due to the absence of conclusive functional and genetic evidence.

GeneDx
Classification: Uncertain significance. Last evaluated: 2025-12-02. Review status: criteria provided, single submitter. Criteria: GeneDx Variant Classification Process June 2021. Collection method: clinical testing. Allele origin: germline.
Comment: In silico analysis suggests that this missense variant does not alter protein structure/function; Has not been previously published as pathogenic or benign to our knowledge

Clinical Genetics DNA and cytogenetics Diagnostics Lab, Erasmus MC, Erasmus Medical Center
Classification: Uncertain significance. Review status: no assertion criteria provided. Collection method: clinical testing. Allele origin: germline. Affected: yes. Study: VKGL Data-share Consensus. Not counted in ClinVar's aggregate classification.

Joint Genome Diagnostic Labs from Nijmegen and Maastricht, Radboudumc and MUMC+
Classification: Uncertain significance. Review status: no assertion criteria provided. Collection method: clinical testing. Allele origin: germline. Affected: yes. Study: VKGL Data-share Consensus. Not counted in ClinVar's aggregate classification.